The following is an entry in ClinVar:

NM_001111067.4(ACVR1):c.1131C>T (p.Gly377=)

Gene: ACVR1 (activin A receptor type 1; minus strand). Cytogenetic location: 2q24.1.
Variant type: single nucleotide variant.
Coding change: c.1131C>T on transcript NM_001111067.4 (MANE Select); coding-DNA position 1131, C replaced by T.
Protein change: p.Gly377=; no amino-acid change (glycine 377 retained).
Molecular consequence: synonymous variant.
Genome position (GRCh38, 1-based): chr2:157,761,013, G>A on the plus strand (C>T on the coding strand, the complement: ACVR1 is on the minus strand). VCF-style: chr2-157761013-G-A. GRCh37 (hg19) VCF-style: chr2-158617525-G-A.
Other names: c.1131C>T, p.Gly377= (NM_001105.5, NM_001347663.1, NM_001347664.1 and 3 more transcripts).
Identifiers: ClinVar variation 331690 (VCV000331690.17), dbSNP rs56189710, ClinGen allele CA1919010.
Genomic context (GRCh38, chr2:157,761,013, plus strand): 5'-ATCGAAACAATCCACCTGGATGGTTTCATCTAGAACTTCGGGGGCCATGTAGCGCTTGGT[G>A]CCCACACGGGGATTGTTCCCCACATCAAGCTGATTGGTGCTCTGGGAATGCATGACTGCC-3'
Protein context (NP_001104537.1, residues 367-387): QLDVGNNPRV[Gly377=]TKRYMAPEVL

ClinVar aggregate classification (germline): Benign. Review status: criteria provided, multiple submitters, no conflicts (2 of 4 stars). 5 submissions from 5 submitters: Benign (5). Last evaluated 2026-02-01.

Conditions:
Progressive myositis ossificans (FOP). Also called: Myositis ossificans progressiva; Progressive ossifying myositis; Fibrodysplasia Ossificans Progressiva. Identifiers: Orphanet 337, MedGen C0016037, MONDO:0007606, OMIM 135100.

Allele frequency attached by ClinVar (database versions not stated): gnomAD exomes 0.00216 and 0.00507; ExAC 0.00600; gnomAD 0.01768 and 0.01889; TOPMed 0.01958; ESP Exome Variant Server 0.02038; 1000 Genomes Project 0.02077; 1000 Genomes Project 30x 0.02249.
gnomAD v4.1: 6,042 of 1,614,094 alleles (0.37%); highest among the groups gnomAD compares: African/African-American, 6.1%; 128 homozygotes.

Submissions (5):

Labcorp Genetics (formerly Invitae), Labcorp
Classification: Benign. Last evaluated: 2026-02-01. Review status: criteria provided, single submitter. Criteria: Invitae Variant Classification Sherloc (09022015). Collection method: clinical testing. Allele origin: germline.

Genome-Nilou Lab
Classification: Benign for Progressive myositis ossificans. Last evaluated: 2021-12-05. Review status: criteria provided, single submitter. Criteria: ACMG Guidelines, 2015. Collection method: clinical testing. Allele origin: germline. Affected: no.

GeneDx
Classification: Benign. Last evaluated: 2021-05-04. Review status: criteria provided, single submitter. Criteria: GeneDx Variant Classification Process June 2021. Collection method: clinical testing. Allele origin: germline. Affected: yes.

Illumina Laboratory Services, Illumina
Classification: Benign for Progressive myositis ossificans. Last evaluated: 2018-01-13. Review status: criteria provided, single submitter. Criteria: ICSL Variant Classification Criteria 13 December 2019. Collection method: clinical testing. Allele origin: germline.
Comment: This variant was observed in the ICSL laboratory as part of a predisposition screen in an ostensibly healthy population. It had not been previously curated by ICSL or reported in the Human Gene Mutation Database (HGMD: prior to June 1st, 2018), and was therefore a candidate for classification through an automated scoring system. Utilizing variant allele frequency, disease prevalence and penetrance estimates, and inheritance mode, an automated score was calculated to assess if this variant is too frequent to cause the disease. Based on the score and internal cut-off values, a variant classified as benign is not then subjected to further curation. The score for this variant resulted in a classification of benign for this disease.

Breakthrough Genomics
Classification: Benign. Review status: criteria provided, single submitter. Criteria: ACMG Guidelines, 2015. Collection method: not provided. Allele origin: germline. Inheritance: Autosomal dominant inheritance. Affected: yes.